The following is an entry in ClinVar:

NM_000593.6(TAP1):c.971C>G (p.Ser324Ter)

Gene: TAP1 (transporter 1, ATP binding cassette subfamily B member; minus strand). Cytogenetic location: 6p21.32.
Variant type: single nucleotide variant.
Coding change: c.971C>G on transcript NM_000593.6 (MANE Select); coding-DNA position 971, C replaced by G.
Protein change: p.Ser324Ter; replaces serine 324 with a stop codon.
Molecular consequence: nonsense.
Genome position (GRCh38, 1-based): chr6:32,851,023, G>C on the plus strand (C>G on the coding strand, the complement: TAP1 is on the minus strand). VCF-style: chr6-32851023-G-C. GRCh37 (hg19) VCF-style: chr6-32818800-G-C.
Other names: c.368C>G, p.Ser123Ter (NM_001292022.2); short protein forms S123*, S384*, S324*.
Identifiers: ClinVar variation 642101 (VCV000642101.3), dbSNP rs1470217821, ClinGen allele CA363593004.

ClinVar aggregate classification (germline): Pathogenic. Review status: criteria provided, multiple submitters, no conflicts (2 of 4 stars). 2 submissions from 2 submitters: Pathogenic (2). Last evaluated 2018-10-13.

Conditions:
MHC class I deficiency 1 (MHC1D1). Also called: HLA CLASS I DEFICIENCY, 1; BARE LYMPHOCYTE SYNDROME, TYPE I; BLS, TYPE I. Identifiers: MedGen C1858266, MONDO:0971006, OMIM 604571.
MHC class I deficiency. Identifiers: Orphanet 34592, MedGen C6024714, MONDO:0011476.

Allele frequency attached by ClinVar (database versions not stated): gnomAD exomes 0.00001.
gnomAD v4.1: 2 of 1,612,974 alleles (0.00012%); highest among the groups gnomAD compares: East Asian, 0.0045%; no homozygotes.

Submissions (2):

Labcorp Genetics (formerly Invitae), Labcorp
Classification: Pathogenic for Bare lymphocyte syndrome type 1. Last evaluated: 2018-10-13. Review status: criteria provided, single submitter. Criteria: Invitae Variant Classification Sherloc (09022015). Collection method: clinical testing. Allele origin: germline.
Comment: This sequence change creates a premature translational stop signal (p.Ser384*) in the TAP1 gene. It is expected to result in an absent or disrupted protein product. This variant is not present in population databases (ExAC no frequency). This variant has not been reported in the literature in individuals with TAP1-related disease. Loss-of-function variants in TAP1 are known to be pathogenic (PMID: 10074495,Â¬â€ 10074494). For these reasons, this variant has been classified as Pathogenic.

Juno Genomics, Hangzhou Juno Genomics, Inc
Classification: Pathogenic for MHC class I deficiency 1. Review status: criteria provided, single submitter. Criteria: ACMG Guidelines, 2015. Collection method: clinical testing. Allele origin: germline.
Comment: Absent from controls (or at extremely low frequency if recessive) in Genome Aggregation Database.;Null variant in a gene where loss of function (LOF) is a known mechanism of disease.;For recessive disorders, detected in trans with a pathogenic variant.